The following is an entry in ClinVar:

ClinVar aggregate classification (germline): Uncertain significance. Review status: criteria provided, multiple submitters, no conflicts (2 of 4 stars). 2 submissions from 2 submitters: Uncertain significance (2). Last evaluated 2022-11-03.

Conditions:
Inborn genetic diseases. Identifiers: MedGen C0950123, MeSH D030342.
Congenital myasthenic syndrome 2A. Also called: Myasthenic syndrome, congenital, 2a, slow-channel. Identifiers: Orphanet 590, MedGen C4225374, MONDO:0014581, OMIM 616313.

Submissions (2):

Ambry Genetics
Classification: Uncertain significance for Inborn genetic diseases. Last evaluated: 2022-11-03. Review status: criteria provided, single submitter. Criteria: Ambry Variant Classification Scheme 2023. Collection method: clinical testing. Allele origin: germline.

Labcorp Genetics (formerly Invitae), Labcorp
Classification: Uncertain significance for Congenital myasthenic syndrome 2A. Last evaluated: 2022-09-23. Review status: criteria provided, single submitter. Criteria: Invitae Variant Classification Sherloc (09022015). Collection method: clinical testing. Allele origin: germline.
Comment: In summary, the available evidence is currently insufficient to determine the role of this variant in disease. Therefore, it has been classified as a Variant of Uncertain Significance. This sequence change replaces cysteine, which is neutral and slightly polar, with arginine, which is basic and polar, at codon 256 of the CHRNB1 protein (p.Cys256Arg). This variant is not present in population databases (gnomAD no frequency). This variant has not been reported in the literature in individuals affected with CHRNB1-related conditions. Advanced modeling of protein sequence and biophysical properties (such as structural, functional, and spatial information, amino acid conservation, physicochemical variation, residue mobility, and thermodynamic stability) performed at Invitae indicates that this missense variant is expected to disrupt CHRNB1 protein function.

NM_000747.3(CHRNB1):c.766T>C (p.Cys256Arg)

Gene: CHRNB1 (cholinergic receptor nicotinic beta 1 subunit; plus strand). Cytogenetic location: 17p13.1.
Variant type: single nucleotide variant.
Coding change: c.766T>C on transcript NM_000747.3 (MANE Select); coding-DNA position 766, T replaced by C.
Protein change: p.Cys256Arg; replaces cysteine 256 with arginine.
Molecular consequence: missense variant.
Genome position (GRCh38, 1-based): chr17:7,448,734, T>C. VCF-style: chr17-7448734-T-C. GRCh37 (hg19) VCF-style: chr17-7352053-T-C.
Other names: c.766T>C (NM_000747.2); short protein forms C256R.
Identifiers: ClinVar variation 2171402 (VCV002171402.5), dbSNP rs2507858878, ClinGen allele CA397794817.
Genomic context (GRCh38, chr17:7,448,734, plus strand): 5'-ATCTTCTACCTCATCATCCGCCGCAAGCCTCTCTTCTACCTGGTCAACGTCATTGCCCCA[T>C]GCATCCTCATCACTCTTCTGGCCATCTTCGTCTTCTACCTGCCACCAGATGCAGGTAATG-3'
Protein context (NP_000738.2, residues 246-266): LFYLVNVIAP[Cys256Arg]ILITLLAIFV